The following is an entry in ClinVar:

ClinVar aggregate classification (germline): Uncertain significance. Review status: criteria provided, multiple submitters, no conflicts (2 of 4 stars). 4 submissions from 4 submitters: Uncertain significance (3). 1 of the submissions does not count toward it. Last evaluated 2024-12-25.

Conditions:
Fanconi anemia complementation group A (FANCA). Also called: FANCA-Related Fanconi Anemia; Fanconi anemia, group A. Identifiers: Orphanet 84, MedGen C3469521, MONDO:0009215, OMIM 227650.
Fanconi anemia (FA). Also called: Fanconi's anemia. Identifiers: Orphanet 84, MedGen C0015625, MeSH D005199, MONDO:0019391.

Allele frequency attached by ClinVar (database versions not stated): TOPMed 0.00002; gnomAD 0.00003 and 0.00004; gnomAD exomes 0.00003.
gnomAD v4.1: 45 of 1,614,156 alleles (0.0028%); highest among the groups gnomAD compares: Non-Finnish European, 0.0036%; no homozygotes.

Submissions (4):

Labcorp Genetics (formerly Invitae), Labcorp
Classification: Uncertain significance for Fanconi anemia. Last evaluated: 2024-12-25. Review status: criteria provided, single submitter. Criteria: Invitae Variant Classification Sherloc (09022015). Collection method: clinical testing. Allele origin: germline.
Comment: This sequence change replaces serine, which is neutral and polar, with asparagine, which is neutral and polar, at codon 890 of the FANCA protein (p.Ser890Asn). This variant is present in population databases (no rsID available, gnomAD 0.006%). This missense change has been observed in individual(s) with Fanconi anemia and epithelial ovarian cancer (PMID: 32546565, 35854323). ClinVar contains an entry for this variant (Variation ID: 580508). Invitae Evidence Modeling of protein sequence and biophysical properties (such as structural, functional, and spatial information, amino acid conservation, physicochemical variation, residue mobility, and thermodynamic stability) indicates that this missense variant is not expected to disrupt FANCA protein function with a negative predictive value of 95%. In summary, the available evidence is currently insufficient to determine the role of this variant in disease. Therefore, it has been classified as a Variant of Uncertain Significance.

Fulgent Genetics
Classification: Uncertain significance for Fanconi anemia complementation group A. Last evaluated: 2024-01-30. Review status: criteria provided, single submitter. Criteria: ACMG Guidelines, 2015. Collection method: clinical testing. Allele origin: germline.

Sema4
Classification: Uncertain significance for Fanconi anemia. Last evaluated: 2021-11-15. Review status: criteria provided, single submitter. Criteria: Sema4 Curation Guidelines. Collection method: curation. Allele origin: germline.
Comment: The FANCA c.2669G>A (p.S890N) variant has been reported in at least two individuals with ovarian cancer (PMID: 32546565). It was observed in 9/129184 chromosomes of the Non-Finnish European subpopulation in the large and broad cohorts of the Genome Aggregation Database (PMID: 32461654). The variant has been reported in ClinVar (Variation ID 580508). Functional studies have not been performed, and in silico predictions of the variant's effect on protein function are inconclusive. The evidence is insufficient to meet ACMG/AMP criteria for classifying the variant as benign or pathogenic. Thus, the clinical significance of this variant is currently uncertain.

Natera, Inc.
Classification: Uncertain significance for Fanconi anemia. Last evaluated: 2019-10-28. Review status: no assertion criteria provided. Collection method: clinical testing. Allele origin: germline. Not counted in ClinVar's aggregate classification.

Literature cited by the submitters: PubMed 32546565 (cited by Labcorp Genetics (formerly Invitae), Labcorp and Sema4); PubMed 35854323 (cited by Labcorp Genetics (formerly Invitae), Labcorp).

NM_000135.4(FANCA):c.2669G>A (p.Ser890Asn)

Genes: FANCA (FA complementation group A; minus strand), LOC130059837 (ATAC-STARR-seq lymphoblastoid active region 11420; plus strand). Cytogenetic location: 16q24.3.
Variant type: single nucleotide variant.
Coding change: c.2669G>A on transcript NM_000135.4 (MANE Select); coding-DNA position 2669, G replaced by A.
Protein change: p.Ser890Asn; replaces serine 890 with asparagine.
Molecular consequence: missense variant.
Genome position (GRCh38, 1-based): chr16:89,764,999, C>T on the plus strand (G>A on the coding strand, the complement: FANCA is on the minus strand). VCF-style: chr16-89764999-C-T. GRCh37 (hg19) VCF-style: chr16-89831407-C-T.
Other names: c.2669G>A (LRG_495t1); c.2669G>A, p.Ser890Asn (NM_001286167.3); short protein forms S890N.
Identifiers: ClinVar variation 580508 (VCV000580508.9), dbSNP rs1055448646, ClinGen allele CA286555510.